The following is an entry in ClinVar:

NM_015922.3(NSDHL):c.1103A>G (p.His368Arg)

Gene: NSDHL (NAD(P) dependent 3-beta-hydroxysteroid dehydrogenase NSDHL; plus strand). Cytogenetic location: Xq28.
Variant type: single nucleotide variant.
Coding change: c.1103A>G on transcript NM_015922.3 (MANE Select); coding-DNA position 1103, A replaced by G.
Protein change: p.His368Arg; replaces histidine 368 with arginine.
Molecular consequence: missense variant.
Genome position (GRCh38, 1-based): chrX:152,869,097, A>G. VCF-style: chrX-152869097-A-G. GRCh37 (hg19) VCF-style: chrX-152037641-A-G.
Other names: c.1103A>G, p.His368Arg (NM_001129765.2); short protein forms H368R.
Identifiers: ClinVar variation 3776635 (VCV003776635.1).
Genomic context (GRCh38, chrX:152,869,097, plus strand): 5'-GCTACCAGCCACTAGTGACCATGGATGATGCTATGGAGAGGACCGTGCAGAGCTTTCGCC[A>G]CCTGCGGAGGGTCAAGTGAGGGACACTGGAGGCTGGGCTCTCTCGACACGTTGCTCAGCC-3'
Protein context (NP_057006.1, residues 358-373): AMERTVQSFR[His368Arg]LRRVK

ClinVar aggregate classification (germline): Uncertain significance (1 of 4 stars; one submission).

Submission:

GeneDx
Classification: Uncertain significance. Last evaluated: 2024-10-03. Review status: criteria provided, single submitter. Criteria: GeneDx Variant Classification Process June 2021. Collection method: clinical testing. Allele origin: germline. Affected: yes.
Comment: Not observed at significant frequency in large population cohorts (gnomAD); In silico analysis supports that this missense variant has a deleterious effect on protein structure/function; Has not been previously published as pathogenic or benign to our knowledge